The following is an entry in ClinVar:

NM_031220.4(PITPNM3):c.2204G>T (p.Gly735Val)

Gene: PITPNM3 (PITPNM family member 3; minus strand). Cytogenetic location: 17p13.2.
Variant type: single nucleotide variant.
Coding change: c.2204G>T on transcript NM_031220.4 (MANE Select); coding-DNA position 2204, G replaced by T.
Protein change: p.Gly735Val; replaces glycine 735 with valine.
Molecular consequence: missense variant.
Genome position (GRCh38, 1-based): chr17:6,463,834, C>A on the plus strand (G>T on the coding strand, the complement: PITPNM3 is on the minus strand). VCF-style: chr17-6463834-C-A. GRCh37 (hg19) VCF-style: chr17-6367154-C-A.
Other names: c.2096G>T, p.Gly699Val (NM_001165966.2); short protein forms G699V, G735V.
Identifiers: ClinVar variation 1054900 (VCV001054900.9), dbSNP rs770938798, ClinGen allele CA8329244.
Genomic context (GRCh38, chr17:6,463,834, plus strand): 5'-CCCATGATAGACACGCTGGCCGCGAAGGACCCATCAATGCTGAACACTACACACTCCATG[C>A]CCCTGGGCAACACCGTGAGGTAGCTCATGGCACAGGTCTGGTCGCCCCTGAAAGAAACCT-3'
Protein context (NP_112497.2, residues 725-745): AMSYLTVLPR[Gly735Val]MECVVFSIDG

ClinVar aggregate classification (germline): Uncertain significance (1 of 4 stars; one submission).

Allele frequency attached by ClinVar (database versions not stated): TOPMed below 0.00001.
gnomAD v4.1: 1 of 1,613,994 alleles (0.000062%); highest among the groups gnomAD compares: Non-Finnish European, 0.000085%; no homozygotes.

Submission:

Labcorp Genetics (formerly Invitae), Labcorp
Classification: Uncertain significance. Last evaluated: 2020-08-25. Review status: criteria provided, single submitter. Criteria: Invitae Variant Classification Sherloc (09022015). Collection method: clinical testing. Allele origin: germline.
Comment: This sequence change replaces glycine with valine at codon 735 of the PITPNM3 protein (p.Gly735Val). The glycine residue is highly conserved and there is a moderate physicochemical difference between glycine and valine. This variant is present in population databases (rs770938798, ExAC 0.002%). This variant has not been reported in the literature in individuals with PITPNM3-related conditions. In summary, the available evidence is currently insufficient to determine the role of this variant in disease. Therefore, it has been classified as a Variant of Uncertain Significance. Algorithms developed to predict the effect of missense changes on protein structure and function (SIFT, PolyPhen-2, Align-GVGD) all suggest that this variant is likely to be tolerated, but these predictions have not been confirmed by published functional studies and their clinical significance is uncertain.